The following is an entry in ClinVar:

ClinVar aggregate classification (germline): Uncertain significance (1 of 4 stars; one submission).

Submission:

Labcorp Genetics (formerly Invitae), Labcorp
Classification: Uncertain significance. Last evaluated: 2024-08-01. Review status: criteria provided, single submitter. Criteria: Invitae Variant Classification Sherloc (09022015). Collection method: clinical testing. Allele origin: germline.
Comment: This sequence change replaces proline, which is neutral and non-polar, with histidine, which is basic and polar, at codon 799 of the REST protein (p.Pro799His). This variant is not present in population databases (gnomAD no frequency). This variant has not been reported in the literature in individuals affected with REST-related conditions. An algorithm developed to predict the effect of missense changes on protein structure and function (PolyPhen-2) suggests that this variant is likely to be tolerated. In summary, the available evidence is currently insufficient to determine the role of this variant in disease. Therefore, it has been classified as a Variant of Uncertain Significance.

NM_005612.5(REST):c.2396C>A (p.Pro799His)

Gene: REST (RE1 silencing transcription factor; plus strand). Cytogenetic location: 4q12.
Variant type: single nucleotide variant.
Coding change: c.2396C>A on transcript NM_005612.5 (MANE Select); coding-DNA position 2396, C replaced by A.
Protein change: p.Pro799His; replaces proline 799 with histidine.
Molecular consequence: missense variant.
Genome position (GRCh38, 1-based): chr4:56,931,254, C>A. VCF-style: chr4-56931254-C-A. GRCh37 (hg19) VCF-style: chr4-57797420-C-A.
Other names: c.2396C>A, p.Pro799His (NM_001193508.2, NM_001363453.3); short protein forms P799H.
Identifiers: ClinVar variation 2746668 (VCV002746668.3), dbSNP rs752126612, ClinGen allele CA357008693.